The following is an entry in ClinVar:

NM_002485.5(NBN):c.250C>T (p.Gln84Ter)

Gene: NBN (nibrin; minus strand). Cytogenetic location: 8q21.3.
Variant type: single nucleotide variant.
Coding change: c.250C>T on transcript NM_002485.5 (MANE Select); coding-DNA position 250, C replaced by T.
Protein change: p.Gln84Ter; replaces glutamine 84 with a stop codon.
Molecular consequence: nonsense.
Genome position (GRCh38, 1-based): chr8:89,981,445, G>A on the plus strand (C>T on the coding strand, the complement: NBN is on the minus strand). VCF-style: chr8-89981445-G-A. GRCh37 (hg19) VCF-style: chr8-90993673-G-A.
Other names: c.4C>T, p.Gln2Ter (NM_001024688.3); short protein forms Q84*, Q2*.
Identifiers: ClinVar variation 649395 (VCV000649395.25), dbSNP rs1586108714, ClinGen allele CA371662477.

ClinVar aggregate classification (germline): Pathogenic. Review status: criteria provided, multiple submitters, no conflicts (2 of 4 stars). 4 submissions from 4 submitters: Pathogenic (3). 1 of the submissions does not count toward it. Last evaluated 2024-05-08.

Conditions:
Gastric cancer. Also called: Stomach cancer; Malignant tumor of stomach. Identifiers: MedGen C0024623, MeSH D013274, MONDO:0001056, OMIM 613659, HP:0012126.
Hereditary cancer-predisposing syndrome. Also called: Hereditary Cancer Syndrome; Tumor predisposition; Hereditary neoplastic syndrome; Neoplastic Syndromes, Hereditary. Identifiers: Orphanet 140162, MedGen C0027672, MeSH D009386, MONDO:0015356.
Microcephaly, normal intelligence and immunodeficiency (NBS). Also called: IMMUNODEFICIENCY, MICROCEPHALY, AND CHROMOSOMAL INSTABILITY; SEEMANOVA SYNDROME II; Nijmegen breakage syndrome; Microcephaly with normal intelligence immunodeficiency and lymphoreticular malignancies; Nonsyndromal microcephaly autosomal recessive with normal intelligence; Seemanova syndrome 2. Identifiers: Orphanet 647, MedGen C0398791, MONDO:0009623, OMIM 251260.

Submissions (4):

Myriad Genetics, Inc.
Classification: Pathogenic for Microcephaly, normal intelligence and immunodeficiency. Last evaluated: 2024-05-08. Review status: criteria provided, single submitter. Criteria: Myriad Autosomal Dominant, Autosomal Recessive and X-Linked Classification Criteria (2023). Collection method: clinical testing. Allele origin: unknown.
Comment: NM_002485.4(NBN):c.250C>T(Q84*) is expected to be pathogenic in the context of Nijmegen breakage syndrome. This variant is predicted to lead to an abnormal or absent protein product due to the creation of a premature termination codon in NBN, a gene where loss-of-function variants are known to be pathogenic. Please note: this variant was assessed in the context of healthy population screening.

Ambry Genetics
Classification: Pathogenic for Hereditary cancer-predisposing syndrome. Last evaluated: 2024-02-16. Review status: criteria provided, single submitter. Criteria: Ambry Variant Classification Scheme 2023. Collection method: clinical testing. Allele origin: germline.
Comment: The p.Q84* pathogenic mutation (also known as c.250C>T), located in coding exon 3 of the NBN gene, results from a C to T substitution at nucleotide position 250. This changes the amino acid from a glutamine to a stop codon within coding exon 3. This alteration is expected to result in loss of function by premature protein truncation or nonsense-mediated mRNA decay. This variant is considered to be rare based on population cohorts in the Genome Aggregation Database (gnomAD). As such, this alteration is interpreted as a disease-causing mutation.

Labcorp Genetics (formerly Invitae), Labcorp
Classification: Pathogenic for Microcephaly, normal intelligence and immunodeficiency. Last evaluated: 2021-12-07. Review status: criteria provided, single submitter. Criteria: Invitae Variant Classification Sherloc (09022015). Collection method: clinical testing. Allele origin: germline.
Comment: This sequence change creates a premature translational stop signal (p.Gln84*) in the NBN gene. It is expected to result in an absent or disrupted protein product. Loss-of-function variants in NBN are known to be pathogenic (PMID: 9590180, 16415040). This variant is not present in population databases (gnomAD no frequency). This variant has not been reported in the literature in individuals affected with NBN-related conditions. ClinVar contains an entry for this variant (Variation ID: 649395). For these reasons, this variant has been classified as Pathogenic.

Laboratory for Genotyping Development, RIKEN
Classification: Pathogenic for Gastric cancer. Last evaluated: 2021-07-01. Review status: no assertion criteria provided. Collection method: research. Allele origin: germline. Not counted in ClinVar's aggregate classification.

Literature cited by the submitters: PubMed 9590180 (cited by Labcorp Genetics (formerly Invitae), Labcorp); PubMed 16415040 (cited by Labcorp Genetics (formerly Invitae), Labcorp); PubMed 36988593 (cited by Laboratory for Genotyping Development, RIKEN).